The following is an entry in ClinVar:

NM_020806.5(GPHN):c.1223G>T (p.Gly408Val)

Gene: GPHN (gephyrin; plus strand). Cytogenetic location: 14q23.3.
Variant type: single nucleotide variant.
Coding change: c.1223G>T on transcript NM_020806.5 (MANE Select); coding-DNA position 1223, G replaced by T.
Protein change: p.Gly408Val; replaces glycine 408 with valine.
Molecular consequence: missense variant.
Genome position (GRCh38, 1-based): chr14:67,089,061, G>T. VCF-style: chr14-67089061-G-T. GRCh37 (hg19) VCF-style: chr14-67555778-G-T.
Other names: c.1223G>T (NM_020806.4); c.1124G>T, p.Gly375Val (NM_001024218.2); c.1283G>T, p.Gly428Val (NM_001377514.1); c.1253G>T, p.Gly418Val (NM_001377515.1); c.1244G>T, p.Gly415Val (NM_001377516.1); c.1196G>T, p.Gly399Val (NM_001377517.1); c.1181G>T, p.Gly394Val (NM_001377518.1); c.1163G>T, p.Gly388Val (NM_001377519.1); short protein forms G408V, G428V, G394V, G415V, G375V, G388V, G399V, G418V.
Identifiers: ClinVar variation 2766169 (VCV002766169.4), dbSNP rs2543059971, ClinGen allele CA390257326.

ClinVar aggregate classification (germline): Uncertain significance. Review status: criteria provided, multiple submitters, no conflicts (2 of 4 stars). 2 submissions from 2 submitters: Uncertain significance (2). Last evaluated 2024-01-29.

Conditions:
Sulfite oxidase deficiency due to molybdenum cofactor deficiency type C. Also called: Molybdenum cofactor deficiency, complementation group C; Molybdenum cofactor deficiency C. Identifiers: Orphanet 308400, Orphanet 833, MedGen C1854990, MONDO:0014212, OMIM 615501.

Submissions (2):

Labcorp Genetics (formerly Invitae), Labcorp
Classification: Uncertain significance for Sulfite oxidase deficiency due to molybdenum cofactor deficiency type C. Last evaluated: 2024-01-29. Review status: criteria provided, single submitter. Criteria: Invitae Variant Classification Sherloc (09022015). Collection method: clinical testing. Allele origin: germline.
Comment: This sequence change replaces glycine, which is neutral and non-polar, with valine, which is neutral and non-polar, at codon 408 of the GPHN protein (p.Gly408Val). This variant is not present in population databases (gnomAD no frequency). This variant has not been reported in the literature in individuals affected with GPHN-related conditions. Advanced modeling of protein sequence and biophysical properties (such as structural, functional, and spatial information, amino acid conservation, physicochemical variation, residue mobility, and thermodynamic stability) performed at Invitae indicates that this missense variant is expected to disrupt GPHN protein function with a positive predictive value of 80%. This variant disrupts the p.Gly408 amino acid residue in GPHN. Other variant(s) that disrupt this residue have been determined to be pathogenic (PMID: 26613940). This suggests that this residue is clinically significant, and that variants that disrupt this residue are likely to be disease-causing. In summary, the available evidence is currently insufficient to determine the role of this variant in disease. Therefore, it has been classified as a Variant of Uncertain Significance.

GeneDx
Classification: Uncertain significance. Last evaluated: 2023-12-08. Review status: criteria provided, single submitter. Criteria: GeneDx Variant Classification Process June 2021. Collection method: clinical testing. Allele origin: germline. Affected: yes.
Comment: Not observed at significant frequency in large population cohorts (gnomAD); In silico analysis supports that this missense variant has a deleterious effect on protein structure/function; Has not been previously published as pathogenic or benign to our knowledge

Literature cited by the submitters: PubMed 26613940 (cited by Labcorp Genetics (formerly Invitae), Labcorp).